The following is an entry in ClinVar:

NM_199242.3(UNC13D):c.2542A>C (p.Ile848Leu)

Gene: UNC13D (unc-13 homolog D; minus strand). Cytogenetic location: 17q25.1.
Variant type: single nucleotide variant.
Coding change: c.2542A>C on transcript NM_199242.3 (MANE Select); coding-DNA position 2542, A replaced by C.
Protein change: p.Ile848Leu; replaces isoleucine 848 with leucine.
Molecular consequence: missense variant.
Genome position (GRCh38, 1-based): chr17:75,831,254, T>G on the plus strand (A>C on the coding strand, the complement: UNC13D is on the minus strand). VCF-style: chr17-75831254-T-G. GRCh37 (hg19) VCF-style: chr17-73827335-T-G.
Other names: short protein forms I848L.
Identifiers: ClinVar variation 464455 (VCV000464455.70), dbSNP rs144968313, ClinGen allele CA8772485.

ClinVar aggregate classification (germline): Conflicting classifications of pathogenicity. Review status: criteria provided, conflicting classifications (1 of 4 stars). 12 submissions from 12 submitters: Uncertain significance (6); Likely benign (3). 3 of the submissions do not count toward it. Last evaluated 2026-08-01.

Conditions:
UNC13D-related disorder. Also called: UNC13D-related condition.
Autoinflammatory syndrome. Identifiers: Orphanet 93665, MedGen C3890737, MONDO:0019751.
Familial hemophagocytic lymphohistiocytosis 3 (FHL3). Also called: UNC13D-Related Familial Hemophagocytic Lymphohistiocytosis (UNC13D-fHLH). Identifiers: Orphanet 540, MedGen C1837174, MONDO:0012146, OMIM 608898.

Allele frequency attached by ClinVar (database versions not stated): 1000 Genomes Project 30x 0.00031; 1000 Genomes Project 0.00040; ExAC 0.00090; gnomAD exomes 0.00096 and 0.00142; TOPMed 0.00098; gnomAD 0.00099 and 0.00106; ESP Exome Variant Server 0.00146.

Submissions (12):

CeGaT Center for Human Genetics Tuebingen
Classification: Likely benign. Last evaluated: 2026-08-01. Review status: criteria provided, single submitter. Criteria: CeGaT Center For Human Genetics Tuebingen Variant Classification Criteria Version 2. Collection method: clinical testing. Allele origin: germline. Affected: yes. Observed: 4 variant alleles.
Comment: UNC13D: BP4

PreventionGenetics, part of Exact Sciences
Classification: Uncertain significance for UNC13D-related condition. Last evaluated: 2026-05-05. Review status: criteria provided, single submitter. Criteria: ACMG Guidelines, 2015. Collection method: clinical testing. Allele origin: germline.
Comment: The UNC13D c.2542A>C variant is predicted to result in the amino acid substitution p.Ile848Leu. This variant was reported in an individual with autoimmune lymphoproliferative syndrome who had inherited it as part of a haplotype that also contained another variant p.Ala995Pro from the unaffected mother (Aricò et al. 2013. PubMed ID: 23840885). Both variants have also been reported in an individual with septic shock and macrophage activation syndrome (Kernan et al. 2018. PubMed ID: 29977033) as well as in two individuals with polyarticular juvenile idiopathic arthritis (Meng et al. 2021. PubMed ID: 33408077). In vitro studies in a mastocytoma cell line showed that both variants, when expressed together as well as separately, resulted in defective secretory granule exocytosis; however, it is unclear how this finding relates to cells of the immune system in vivo (Aricò et al. 2013. PubMed ID: 23840885). This variant is reported in 0.28% of alleles in individuals of Ashkenazi Jewish descent in gnomAD. Although we suspect that this variant may be benign, at this time its clinical significance is uncertain due to the absence of conclusive functional and genetic evidence.

Labcorp Genetics (formerly Invitae), Labcorp
Classification: Likely benign for Familial hemophagocytic lymphohistiocytosis 3. Last evaluated: 2026-02-01. Review status: criteria provided, single submitter. Criteria: Invitae Variant Classification Sherloc (09022015). Collection method: clinical testing. Allele origin: germline.

Blueprint Genetics
Classification: Uncertain significance. Last evaluated: 2024-11-01. Review status: criteria provided, single submitter. Criteria: ACMG Guidelines, 2015. Collection method: clinical testing. Allele origin: germline.

Genetic Services Laboratory, University of Chicago
Classification: Uncertain significance. Last evaluated: 2021-08-11. Review status: criteria provided, single submitter. Criteria: ACMG Guidelines, 2015. Collection method: clinical testing. Allele origin: germline. Affected: no.
Comment: The sequence change, c.2542A>C, in exon 26 results in an amino acid change, p.Ile848Leu. This sequence change has been previously described in one individual with autoimmune lymphoproliferative syndrome (PMID: 23840885), one individual with extreme hyperferritinemia (PMID: 29977033), and one individual with juvenile idiopathic arthritis (PMID: 33408077). This sequence change has been described in the gnomAD database with a low frequency of 0.28% in Ashkenazi Jewish subpopulation (dbSNP rs144968313). The p.Ile848Leu change affects a poorly conserved amino acid residue located in a domain of the UNC13D protein that is known to be functional. The p.Ile848Leu substitution appears to be benign using several in-silico pathogenicity prediction tools (SIFT, PolyPhen2, Align GVGD, REVEL). Functional studies show p.Ile848Leu is a loss-of-function variant (PMID: 23840885). Due to the lack of sufficient evidence, the clinical significance of the p.Ile848Leu change remains unknown at this time.

Revvity Omics, Revvity
Classification: Uncertain significance for Familial hemophagocytic lymphohistiocytosis 3. Last evaluated: 2020-02-28. Review status: criteria provided, single submitter. Criteria: ACMG Guidelines, 2015. Collection method: clinical testing. Allele origin: germline.

Mendelics
Classification: Likely benign. Last evaluated: 2019-05-28. Review status: criteria provided, single submitter. Criteria: Mendelics Assertion Criteria 2017. Collection method: clinical testing. Allele origin: unknown.

Genome Diagnostics Laboratory, The Hospital for Sick Children
Classification: Uncertain significance for Autoinflammatory syndrome. Last evaluated: 2017-10-02. Review status: criteria provided, single submitter. Criteria: ACMG Guidelines, 2015. Collection method: clinical testing. Allele origin: germline. Affected: yes.

Illumina Laboratory Services, Illumina
Classification: Uncertain significance for Familial hemophagocytic lymphohistiocytosis 3. Last evaluated: 2017-04-27. Review status: criteria provided, single submitter. Criteria: ICSL Variant Classification Criteria 13 December 2019. Collection method: clinical testing. Allele origin: germline.
Comment: This variant was observed as part of a predisposition screen in an ostensibly healthy population. A literature search was performed for the gene, cDNA change, and amino acid change (where applicable). Publications were found based on this search. However, the evidence from the literature, in combination with allele frequency data from public databases where available, was not sufficient to rule this variant in or out of causing disease. Therefore, this variant is classified as a variant of unknown significance.

Clinical Genetics DNA and cytogenetics Diagnostics Lab, Erasmus MC, Erasmus Medical Center
Classification: Likely benign. Review status: no assertion criteria provided. Collection method: clinical testing. Allele origin: germline. Affected: yes. Study: VKGL Data-share Consensus. Not counted in ClinVar's aggregate classification.

Diagnostic Laboratory, Department of Genetics, University Medical Center Groningen
Classification: Likely benign. Review status: no assertion criteria provided. Collection method: clinical testing. Allele origin: germline. Affected: yes. Study: VKGL Data-share Consensus. Not counted in ClinVar's aggregate classification.

Genome Diagnostics Laboratory, University Medical Center Utrecht
Classification: Likely benign. Review status: no assertion criteria provided. Collection method: clinical testing. Allele origin: germline. Affected: yes. Study: VKGL Data-share Consensus. Not counted in ClinVar's aggregate classification.

Literature cited by the submitters: PubMed 18759271 (cited by Illumina Laboratory Services, Illumina); PubMed 23840885 (cited by Illumina Laboratory Services, Illumina).